The following is an entry in ClinVar:

ClinVar aggregate classification (germline): Likely pathogenic (1 of 4 stars; one submission).

Conditions:
X-linked Alport syndrome (ATS1). Also called: COL4A5-Related Nephropathy; NEPHROPATHY AND DEAFNESS, X-LINKED. Identifiers: Orphanet 63, Orphanet 88917, MedGen C4746986, MONDO:0010520, OMIM 301050.

Submission:

Myriad Genetics, Inc.
Classification: Likely pathogenic for X-linked Alport syndrome. Last evaluated: 2022-01-15. Review status: criteria provided, single submitter. Criteria: Myriad Women's Health Autosomal Recessive and X-Linked Classification Criteria (2021). Collection method: clinical testing. Allele origin: unknown.
Comment: NM_000495.4(COL4A5):c.4734_4735delTCinsA(S1578Rfs*23) is expected to be pathogenic in the context of X-linked Alport syndrome. This variant is predicted to lead to an abnormal or absent protein product due to the creation of a premature termination codon in COL4A5, a gene where loss-of-function variants are known to be pathogenic. Please note: this variant was assessed in the context of healthy population screening.

NM_033380.3(COL4A5):c.4752_4753delinsA (p.Ser1584fs)

Gene: COL4A5 (collagen type IV alpha 5 chain; plus strand). Cytogenetic location: Xq22.3.
Variant type: Indel.
Coding change: c.4752_4753delinsA on transcript NM_033380.3 (MANE Select); coding-DNA positions 4752 to 4753, TC replaced by A.
Protein change: p.Ser1584fs; shifts the reading frame from serine 1584.
Molecular consequence: frameshift variant.
Genome position (GRCh38, 1-based): chrX:108,694,852-108,694,853, TC replaced by A. VCF-style: chrX-108694852-TC-A. GRCh37 (hg19) VCF-style: chrX-107938082-TC-A.
Other names: c.4734_4735delinsA, p.Ser1578fs (NM_000495.5); short protein forms S1578fs, S1584fs.
Identifiers: ClinVar variation 1723944 (VCV001723944.2), dbSNP rs2524652143, ClinGen allele CA2580100247.
Genomic context (GRCh38, chrX:108,694,852, plus strand): 5'-CTTTTCCTTTACCAGATGTGCAGTATGTGAAGCTCCAGCTGTGGTGATCGCAGTTCACAG[TC>A]AGACGATCCAGATTCCCCATTGTCCTCAGGGATGGGATTCTCTGTGGATTGGTTATTCCT-3'